The following is an entry in ClinVar:

ClinVar aggregate classification (germline): Uncertain significance (1 of 4 stars; one submission).

Submission:

Labcorp Genetics (formerly Invitae), Labcorp
Classification: Uncertain significance. Last evaluated: 2025-08-20. Review status: criteria provided, single submitter. Criteria: Invitae Variant Classification Sherloc (09022015). Collection method: clinical testing. Allele origin: germline.
Comment: This sequence change replaces glycine, which is neutral and non-polar, with glutamic acid, which is acidic and polar, at codon 229 of the SETBP1 protein (p.Gly229Glu). This variant is not present in population databases (gnomAD no frequency). This variant has not been reported in the literature in individuals affected with SETBP1-related conditions. Invitae Evidence Modeling of protein sequence and biophysical properties (such as structural, functional, and spatial information, amino acid conservation, physicochemical variation, residue mobility, and thermodynamic stability) indicates that this missense variant is not expected to disrupt SETBP1 protein function with a negative predictive value of 80%. In summary, the available evidence is currently insufficient to determine the role of this variant in disease. Therefore, it has been classified as a Variant of Uncertain Significance.

NM_015559.3(SETBP1):c.686G>A (p.Gly229Glu)

Gene: SETBP1 (SET binding protein 1; plus strand). Cytogenetic location: 18q12.3.
Variant type: single nucleotide variant.
Coding change: c.686G>A on transcript NM_015559.3 (MANE Select); coding-DNA position 686, G replaced by A.
Protein change: p.Gly229Glu; replaces glycine 229 with glutamic acid.
Molecular consequence: missense variant.
Genome position (GRCh38, 1-based): chr18:44,950,026, G>A. VCF-style: chr18-44950026-G-A. GRCh37 (hg19) VCF-style: chr18-42529991-G-A.
Other names: c.686G>A, p.Gly229Glu (NM_001379141.1, NM_001379142.1, NM_001410862.1); short protein forms G229E.
Identifiers: ClinVar variation 4746649 (VCV004746649.1).